The following is an entry in ClinVar:

ClinVar aggregate classification (germline): Conflicting classifications of pathogenicity. Review status: criteria provided, conflicting classifications (1 of 4 stars). 4 submissions from 4 submitters: Uncertain significance (2); Likely benign (2). Last evaluated 2026-07-10.

Conditions:
Inborn genetic diseases. Identifiers: MedGen C0950123, MeSH D030342.
Congenital disorder of glycosylation, type Iaa. Also called: Congenital disorder of glycosylation, type 1aa. Identifiers: MedGen C4310727, MONDO:0014904, OMIM 617082.

Allele frequency attached by ClinVar (database versions not stated): ESP Exome Variant Server 0.00023; TOPMed 0.00034; gnomAD exomes 0.00035 and 0.00047; ExAC 0.00038; gnomAD 0.00038 and 0.00039; 1000 Genomes Project 0.00040; 1000 Genomes Project 30x 0.00047.
gnomAD v4.1: 730 of 1,611,842 alleles (0.045%); highest among the groups gnomAD compares: Non-Finnish European, 0.055%; no homozygotes.

Submissions (4):

Ambry Genetics
Classification: Likely benign for Inborn genetic diseases. Last evaluated: 2026-07-10. Review status: criteria provided, single submitter. Criteria: Ambry Variant Classification Scheme 2023. Collection method: clinical testing. Allele origin: germline.

CeGaT Center for Human Genetics Tuebingen
Classification: Likely benign. Last evaluated: 2026-07-01. Review status: criteria provided, single submitter. Criteria: CeGaT Center For Human Genetics Tuebingen Variant Classification Criteria Version 2. Collection method: clinical testing. Allele origin: germline. Affected: yes. Observed: 7 variant alleles.
Comment: NUS1: BP4

Labcorp Genetics (formerly Invitae), Labcorp
Classification: Uncertain significance for Congenital disorder of glycosylation, type Iaa. Last evaluated: 2026-01-19. Review status: criteria provided, single submitter. Criteria: Invitae Variant Classification Sherloc (09022015). Collection method: clinical testing. Allele origin: germline.
Comment: This sequence change replaces lysine, which is basic and polar, with glutamic acid, which is acidic and polar, at codon 214 of the NUS1 protein (p.Lys214Glu). This variant is present in population databases (rs146171115, gnomAD 0.06%), and has an allele count higher than expected for a pathogenic variant. This variant has not been reported in the literature in individuals affected with NUS1-related conditions. ClinVar contains an entry for this variant (Variation ID: 639519). An algorithm developed to predict the effect of missense changes on protein structure and function (PolyPhen-2) suggests that this variant is likely to be tolerated. In summary, the available evidence is currently insufficient to determine the role of this variant in disease. Therefore, it has been classified as a Variant of Uncertain Significance.

Women's Health and Genetics/Laboratory Corporation of America, LabCorp
Classification: Uncertain significance. Last evaluated: 2024-08-23. Review status: criteria provided, single submitter. Criteria: LabCorp Variant Classification Summary - May 2015. Collection method: clinical testing. Allele origin: germline.
Comment: Variant summary: NUS1 c.640A>G (p.Lys214Glu) results in a conservative amino acid change in the encoded protein sequence. Four of five in-silico tools predict a benign effect of the variant on protein function. The variant allele was found at a frequency of 0.00035 in 250494 control chromosomes, predominantly at a frequency of 0.0006 within the Non-Finnish European subpopulation in the gnomAD database. This frequency is not significantly higher than estimated for a pathogenic variant in NUS1 causing NUS1-Related Disorders, allowing no conclusion about variant significance. To our knowledge, no occurrence of c.640A>G in individuals affected with NUS1-Related Disorders and no experimental evidence demonstrating its impact on protein function have been reported. ClinVar contains an entry for this variant (Variation ID: 639519). Based on the evidence outlined above, the variant was classified as uncertain significance.

NM_138459.5(NUS1):c.640A>G (p.Lys214Glu)

Gene: NUS1 (NUS1 dehydrodolichyl diphosphate synthase subunit; plus strand). Cytogenetic location: 6q22.1.
Variant type: single nucleotide variant.
Coding change: c.640A>G on transcript NM_138459.5 (MANE Select); coding-DNA position 640, A replaced by G.
Protein change: p.Lys214Glu; replaces lysine 214 with glutamic acid.
Molecular consequence: missense variant.
Genome position (GRCh38, 1-based): chr6:117,694,129, A>G. VCF-style: chr6-117694129-A-G. GRCh37 (hg19) VCF-style: chr6-118015292-A-G.
Other names: short protein forms K214E.
Identifiers: ClinVar variation 639519 (VCV000639519.36), dbSNP rs146171115, ClinGen allele CA3977157.